The following is an entry in ClinVar:

NM_139057.4(ADAMTS17):c.1955T>C (p.Val652Ala)

Gene: ADAMTS17 (ADAM metallopeptidase with thrombospondin type 1 motif 17; minus strand). Cytogenetic location: 15q26.3.
Variant type: single nucleotide variant.
Coding change: c.1955T>C on transcript NM_139057.4 (MANE Select); coding-DNA position 1955, T replaced by C.
Protein change: p.Val652Ala; replaces valine 652 with alanine.
Molecular consequence: missense variant.
Genome position (GRCh38, 1-based): chr15:100,109,050, A>G on the plus strand (T>C on the coding strand, the complement: ADAMTS17 is on the minus strand). VCF-style: chr15-100109050-A-G. GRCh37 (hg19) VCF-style: chr15-100649255-A-G.
Other names: short protein forms V652A.
Identifiers: ClinVar variation 1351799 (VCV001351799.6), dbSNP rs1273994049, ClinGen allele CA393694826.

ClinVar aggregate classification (germline): Uncertain significance (1 of 4 stars; one submission).

Allele frequency attached by ClinVar (database versions not stated): gnomAD exomes below 0.00001.
gnomAD v4.1: 1 of 1,614,022 alleles (0.000062%); highest among the groups gnomAD compares: African/African-American, 0.0013%; no homozygotes.

Submission:

Labcorp Genetics (formerly Invitae), Labcorp
Classification: Uncertain significance. Last evaluated: 2021-11-15. Review status: criteria provided, single submitter. Criteria: Invitae Variant Classification Sherloc (09022015). Collection method: clinical testing. Allele origin: germline.
Comment: This sequence change replaces valine, which is neutral and non-polar, with alanine, which is neutral and non-polar, at codon 652 of the ADAMTS17 protein (p.Val652Ala). In summary, the available evidence is currently insufficient to determine the role of this variant in disease. Therefore, it has been classified as a Variant of Uncertain Significance. Algorithms developed to predict the effect of missense changes on protein structure and function are either unavailable or do not agree on the potential impact of this missense change (SIFT: "Not Available"; PolyPhen-2: "Probably Damaging"; Align-GVGD: "Not Available"). This variant has not been reported in the literature in individuals affected with ADAMTS17-related conditions. This variant is present in population databases (no rsID available, gnomAD 0.007%).